The following is an entry in ClinVar:

ClinVar aggregate classification (germline): Uncertain significance (1 of 4 stars; one submission).

Conditions:
Inborn genetic diseases. Identifiers: MedGen C0950123, MeSH D030342.

gnomAD v4.1: 4 of 1,608,848 alleles (0.00025%); highest among the groups gnomAD compares: African/African-American, 0.0053%; no homozygotes.

Submission:

Ambry Genetics
Classification: Uncertain significance for Inborn genetic diseases. Last evaluated: 2025-11-20. Review status: criteria provided, single submitter. Criteria: Ambry Variant Classification Scheme 2023. Collection method: clinical testing. Allele origin: germline.
Comment: The c.818T>G (p.M273R) alteration is located in exon 5 (coding exon 5) of the RAPSN gene. This alteration results from a T to G substitution at nucleotide position 818, causing the methionine (M) at amino acid position 273 to be replaced by an arginine (R). Based on data from gnomAD, the G allele has an overall frequency of <0.001% (1/245952) total alleles studied. The highest observed frequency was 0.006% (1/16132) of African alleles. Based on insufficient or conflicting evidence, the clinical significance of this alteration remains unclear.

NM_005055.5(RAPSN):c.818T>G (p.Met273Arg)

Gene: RAPSN (receptor associated protein of the synapse; minus strand). Cytogenetic location: 11p11.2.
Variant type: single nucleotide variant.
Coding change: c.818T>G on transcript NM_005055.5 (MANE Select); coding-DNA position 818, T replaced by G.
Protein change: p.Met273Arg; replaces methionine 273 with arginine.
Molecular consequence: missense variant. On other transcripts: intron variant (7).
Genome position (GRCh38, 1-based): chr11:47,441,705, A>C on the plus strand (T>G on the coding strand, the complement: RAPSN is on the minus strand). VCF-style: chr11-47441705-A-C. GRCh37 (hg19) VCF-style: chr11-47463257-A-C.
Other names: c.789+118T>G (NM_001440501.1, NM_032645.5, NM_001440500.1 and 2 more transcripts); c.818T>G, p.Met273Arg (NM_001440490.1, NM_001440491.1, NM_001440492.1 and 3 more transcripts); c.659T>G, p.Met220Arg (NM_001440499.1, NM_001440502.1); c.479T>G, p.Met160Arg (NM_001440504.1); c.630+118T>G (NM_001440503.1, NM_001440493.1); short protein forms M220R, M160R, M273R.
Identifiers: ClinVar variation 4628839 (VCV004628839.1).